The following is an entry in ClinVar:

NM_006348.5(COG5):c.-3A>G

Gene: COG5 (component of oligomeric golgi complex 5; minus strand). Cytogenetic location: 7q22.3.
Variant type: single nucleotide variant.
Coding change: c.-3A>G on transcript NM_006348.5 (MANE Select); 3 bases upstream of the start codon, A replaced by G.
Molecular consequence: 5 prime UTR variant.
Genome position (GRCh38, 1-based): chr7:107,563,899, T>C on the plus strand (A>G on the coding strand, the complement: COG5 is on the minus strand). VCF-style: chr7-107563899-T-C. GRCh37 (hg19) VCF-style: chr7-107204344-T-C.
Other names: c.-3A>G (NM_001161520.2, NM_001379511.1, NM_001379512.1 and 5 more transcripts).
Identifiers: ClinVar variation 1478537 (VCV001478537.3), dbSNP rs779868604, ClinGen allele CA4431598.

ClinVar aggregate classification (germline): Uncertain significance (1 of 4 stars; one submission).

Conditions:
COG5-congenital disorder of glycosylation. Also called: COG5-CDG; CDG IIi; CONGENITAL DISORDER OF GLYCOSYLATION, TYPE IIi. Identifiers: Orphanet 263487, MedGen C3150876, MONDO:0013325, OMIM 613612.

Allele frequency attached by ClinVar (database versions not stated): gnomAD exomes 0.00001; ExAC 0.00002.
gnomAD v4.1: 11 of 1,613,706 alleles (0.00068%); highest among the groups gnomAD compares: South Asian, 0.0055%; no homozygotes.

Submission:

Labcorp Genetics (formerly Invitae), Labcorp
Classification: Uncertain significance for COG5-congenital disorder of glycosylation. Last evaluated: 2022-03-02. Review status: criteria provided, single submitter. Criteria: Invitae Variant Classification Sherloc (09022015). Collection method: clinical testing. Allele origin: germline.
Comment: This sequence change replaces asparagine, which is neutral and polar, with aspartic acid, which is acidic and polar, at codon 31 of the COG5 protein (p.Asn31Asp). This variant is present in population databases (rs779868604, gnomAD 0.007%). This variant has not been reported in the literature in individuals affected with COG5-related conditions. Algorithms developed to predict the effect of missense changes on protein structure and function are either unavailable or do not agree on the potential impact of this missense change (SIFT: "Deleterious"; PolyPhen-2: "Benign"; Align-GVGD: "Class C0"). In summary, the available evidence is currently insufficient to determine the role of this variant in disease. Therefore, it has been classified as a Variant of Uncertain Significance.